The following is an entry in ClinVar:

ClinVar aggregate classification (germline): Uncertain significance (1 of 4 stars; one submission).

Allele frequency attached by ClinVar (database versions not stated): gnomAD exomes below 0.00001.
gnomAD v4.1: 1 of 1,613,756 alleles (0.000062%); highest among the groups gnomAD compares: Non-Finnish European, 0.000085%; no homozygotes.

Submission:

CeGaT Center for Human Genetics Tuebingen
Classification: Uncertain significance. Last evaluated: 2024-06-01. Review status: criteria provided, single submitter. Criteria: CeGaT Center For Human Genetics Tuebingen Variant Classification Criteria Version 2. Collection method: clinical testing. Allele origin: germline. Affected: yes. Observed: 1 variant allele.
Comment: GRIN2A: PM2, PP2, BP4

NM_001134407.3(GRIN2A):c.1769A>G (p.Lys590Arg)

Gene: GRIN2A (glutamate ionotropic receptor NMDA type subunit 2A; minus strand). Cytogenetic location: 16p13.2.
Variant type: single nucleotide variant.
Coding change: c.1769A>G on transcript NM_001134407.3 (MANE Select); coding-DNA position 1769, A replaced by G.
Protein change: p.Lys590Arg; replaces lysine 590 with arginine.
Molecular consequence: missense variant.
Genome position (GRCh38, 1-based): chr16:9,834,113, T>C on the plus strand (A>G on the coding strand, the complement: GRIN2A is on the minus strand). VCF-style: chr16-9834113-T-C. GRCh37 (hg19) VCF-style: chr16-9927970-T-C.
Other names: c.1769A>G, p.Lys590Arg (NM_000833.5, NM_001134408.2); short protein forms K590R.
Identifiers: ClinVar variation 3251056 (VCV003251056.18), dbSNP rs2506123002.
Genomic context (GRCh38, chr16:9,834,113, plus strand): 5'-AGGTAAATGAAATTGCAACAACATTGAATCATGCTCATGAAGGTACCCTTACCTTTCCCT[T>C]TGGCTAAGTTTCTGTTGTATCCAACAGGGCTGAAGTATTCAAAGACAAAAACAGCTATGG-3'
Protein context (NP_001127879.1, residues 580-600): SPVGYNRNLA[Lys590Arg]GKAPHGPSFT